The following is an entry in ClinVar:

NM_007327.4(GRIN1):c.2138G>C (p.Ser713Thr)

Gene: GRIN1 (glutamate ionotropic receptor NMDA type subunit 1; plus strand). Cytogenetic location: 9q34.3.
Variant type: single nucleotide variant.
Coding change: c.2138G>C on transcript NM_007327.4 (MANE Select); coding-DNA position 2138, G replaced by C.
Protein change: p.Ser713Thr; replaces serine 713 with threonine.
Molecular consequence: missense variant.
Genome position (GRCh38, 1-based): chr9:137,162,970, G>C. VCF-style: chr9-137162970-G-C. GRCh37 (hg19) VCF-style: chr9-140057422-G-C.
Other names: c.2138G>C, p.Ser713Thr (NM_000832.7, NM_021569.4); c.2201G>C, p.Ser734Thr (NM_001185090.2, NM_001185091.2, NM_001437330.1 and 1 more transcripts); short protein forms S734T, S713T.
Identifiers: ClinVar variation 4747306 (VCV004747306.1).

ClinVar aggregate classification (germline): Uncertain significance (1 of 4 stars; one submission).

Conditions:
Neurodevelopmental disorder with or without hyperkinetic movements and seizures, autosomal dominant. Also called: Intellectual disability, autosomal dominant 8. Identifiers: MedGen C3280282, MONDO:0013655, OMIM 614254.

gnomAD v4.1: 2 of 1,606,486 alleles (0.00012%); highest among the groups gnomAD compares: Non-Finnish European, 0.00017%; no homozygotes.

Submission:

Labcorp Genetics (formerly Invitae), Labcorp
Classification: Uncertain significance for Neurodevelopmental disorder with or without hyperkinetic movements and seizures, autosomal dominant. Last evaluated: 2025-09-07. Review status: criteria provided, single submitter. Criteria: Invitae Variant Classification Sherloc (09022015). Collection method: clinical testing. Allele origin: germline.
Comment: This sequence change replaces serine, which is neutral and polar, with threonine, which is neutral and polar, at codon 713 of the GRIN1 protein (p.Ser713Thr). This variant is not present in population databases (gnomAD no frequency). This variant has not been reported in the literature in individuals affected with GRIN1-related conditions. Invitae Evidence Modeling of protein sequence and biophysical properties (such as structural, functional, and spatial information, amino acid conservation, physicochemical variation, residue mobility, and thermodynamic stability) indicates that this missense variant is expected to disrupt GRIN1 protein function with a positive predictive value of 95%. In summary, the available evidence is currently insufficient to determine the role of this variant in disease. Therefore, it has been classified as a Variant of Uncertain Significance.